The following is an entry in ClinVar:

NM_004370.6(COL12A1):c.4684G>A (p.Val1562Ile)

Gene: COL12A1 (collagen type XII alpha 1 chain; minus strand). Cytogenetic location: 6q13.
Variant type: single nucleotide variant.
Coding change: c.4684G>A on transcript NM_004370.6 (MANE Select); coding-DNA position 4684, G replaced by A.
Protein change: p.Val1562Ile; replaces valine 1562 with isoleucine.
Molecular consequence: missense variant.
Genome position (GRCh38, 1-based): chr6:75,145,332, C>T on the plus strand (G>A on the coding strand, the complement: COL12A1 is on the minus strand). VCF-style: chr6-75145332-C-T. GRCh37 (hg19) VCF-style: chr6-75855048-C-T.
Other names: c.4684G>A, p.Val1562Ile (NM_001424113.1, NM_001424114.1); c.4411G>A, p.Val1471Ile (NM_001424115.1); c.1192G>A, p.Val398Ile (NM_001424116.1, NM_080645.3); short protein forms V1562I, V1471I, V398I.
Identifiers: ClinVar variation 4792536 (VCV004792536.1).

ClinVar aggregate classification (germline): Uncertain significance (1 of 4 stars; one submission).

Conditions:
Ullrich congenital muscular dystrophy 2 (UCMD2). Identifiers: Orphanet 75840, MedGen C4225314, MONDO:0014654, OMIM 616470.
Bethlem myopathy 2 (BTHLM2). Identifiers: Orphanet 536516, Orphanet 610, MedGen C4225313, MONDO:0034022, OMIM 616471.

gnomAD v4.1: 2 of 1,607,712 alleles (0.00012%); highest among the groups gnomAD compares: Non-Finnish European, 0.00017%; no homozygotes.

Submission:

Labcorp Genetics (formerly Invitae), Labcorp
Classification: Uncertain significance for Bethlem myopathy 2; Ullrich congenital muscular dystrophy 2. Last evaluated: 2025-10-01. Review status: criteria provided, single submitter. Criteria: Invitae Variant Classification Sherloc (09022015). Collection method: clinical testing. Allele origin: germline.
Comment: This sequence change replaces valine, which is neutral and non-polar, with isoleucine, which is neutral and non-polar, at codon 1562 of the COL12A1 protein (p.Val1562Ile). This variant is not present in population databases (gnomAD no frequency). This variant has not been reported in the literature in individuals affected with COL12A1-related conditions. Invitae Evidence Modeling of protein sequence and biophysical properties (such as structural, functional, and spatial information, amino acid conservation, physicochemical variation, residue mobility, and thermodynamic stability) has been performed for this missense variant. However, the output from this modeling did not meet the statistical confidence thresholds required to predict the impact of this variant on COL12A1 protein function. In summary, the available evidence is currently insufficient to determine the role of this variant in disease. Therefore, it has been classified as a Variant of Uncertain Significance.